The following is an entry in ClinVar:

ClinVar aggregate classification (germline): Uncertain significance (1 of 4 stars; one submission).

Conditions:
Hereditary cancer-predisposing syndrome. Also called: Neoplastic Syndromes, Hereditary; Tumor predisposition; Hereditary Cancer Syndrome; Hereditary neoplastic syndrome. Identifiers: Orphanet 140162, MedGen C0027672, MeSH D009386, MONDO:0015356.

Allele frequency attached by ClinVar (database versions not stated): gnomAD exomes below 0.00001.
gnomAD v4.1: 1 of 1,606,632 alleles (0.000062%); highest among the groups gnomAD compares: Non-Finnish European, 0.000085%; no homozygotes.

Submission:

Ambry Genetics
Classification: Uncertain significance for Hereditary cancer-predisposing syndrome. Last evaluated: 2021-06-15. Review status: criteria provided, single submitter. Criteria: Ambry Variant Classification Scheme 2023. Collection method: clinical testing. Allele origin: germline.
Comment: The p.I749V variant (also known as c.2245A>G), located in coding exon 9 of the BLM gene, results from an A to G substitution at nucleotide position 2245. The isoleucine at codon 749 is replaced by valine, an amino acid with highly similar properties. This amino acid position is conserved. In addition, this alteration is predicted to be tolerated by in silico analysis. Since supporting evidence is limited at this time, the clinical significance of this alteration remains unclear.

NM_000057.4(BLM):c.2245A>G (p.Ile749Val)

Gene: BLM (BLM RecQ like helicase; plus strand). Cytogenetic location: 15q26.1.
Variant type: single nucleotide variant.
Coding change: c.2245A>G on transcript NM_000057.4 (MANE Select); coding-DNA position 2245, A replaced by G.
Protein change: p.Ile749Val; replaces isoleucine 749 with valine.
Molecular consequence: missense variant.
Genome position (GRCh38, 1-based): chr15:90,766,961, A>G. VCF-style: chr15-90766961-A-G. GRCh37 (hg19) VCF-style: chr15-91310191-A-G.
Other names: c.2245A>G, p.Ile749Val (NM_001287246.2, NM_001287247.2); c.1120A>G, p.Ile374Val (NM_001287248.2); short protein forms I749V, I374V.
Identifiers: ClinVar variation 1788331 (VCV001788331.2), dbSNP rs1200806527, ClinGen allele CA393844873.